The following is an entry in ClinVar:

ClinVar aggregate classification (germline): Likely pathogenic. Review status: criteria provided, multiple submitters, no conflicts (2 of 4 stars). 2 submissions from 2 submitters: Likely pathogenic (2). Last evaluated 2026-02-04.

Conditions:
SCN1A-related disorder. Also called: SCN1A-related disorders; SCN1A-related conditions; SCN1A-related condition.

Submissions (2):

GeneDx
Classification: Likely pathogenic. Last evaluated: 2026-02-04. Review status: criteria provided, single submitter. Criteria: GeneDx Variant Classification Process June 2021. Collection method: clinical testing. Allele origin: germline.
Comment: Reported previously as a likely pathogenic variant in a newborn screening cohort; however, no specific clinical information was provided (PMID: 36007526); Not observed at significant frequency in large population cohorts (gnomAD); In silico analysis supports that this missense variant has a deleterious effect on protein structure/function; This substitution is predicted to be within the transmembrane segment S1 of the second homologous domain; This variant is associated with the following publications: (PMID: 36007526)

Rady Children's Institute for Genomic Medicine, Rady Children's Hospital San Diego
Classification: Likely pathogenic for SCN1A-related conditions. Review status: criteria provided, single submitter. Criteria: ACMG Guidelines, 2015. Collection method: clinical testing. Allele origin: germline. Affected: yes. Study: CSER-NYCKidSeq.
Comment: This variant has not been previously reported or functionally characterized in the literature to our knowledge. It is absent from the gnomAD population database and thus is presumed to be rare. The c.2344A>G (p.Thr782Ala) variant affects a highly conserved amino acid and is predicted by multiple in silico tools to have a deleterious effect on protein function. The SCN1A gene is constrained against variation (Z-score= 5.22 and pLI = 1), and missense variants are a common mechanism of disease (HGMD, ClinVar database). Analysis of the parental samples was negative for the variant, indicating this variant likely occurred as a de novo event. Based on the available evidence, the c.2344A>G (p.Thr782Ala) variant is classified as Likely Pathogenic.

NM_001165963.4(SCN1A):c.2344A>G (p.Thr782Ala)

Gene: SCN1A (sodium voltage-gated channel alpha subunit 1; minus strand). Cytogenetic location: 2q24.3.
Variant type: single nucleotide variant.
Coding change: c.2344A>G on transcript NM_001165963.4 (MANE Select); coding-DNA position 2344, A replaced by G.
Protein change: p.Thr782Ala; replaces threonine 782 with alanine.
Molecular consequence: missense variant. On other transcripts: 5 prime UTR variant (1), non-coding transcript variant (1).
Genome position (GRCh38, 1-based): chr2:166,041,302, T>C on the plus strand (A>G on the coding strand, the complement: SCN1A is on the minus strand). VCF-style: chr2-166041302-T-C. GRCh37 (hg19) VCF-style: chr2-166897812-T-C.
Other names: c.2260A>G, p.Thr754Ala (NM_001165964.3, NM_001353957.2, NM_001353958.2); c.2344A>G, p.Thr782Ala (NM_001202435.3, NM_001353948.2); c.2311A>G, p.Thr771Ala (NM_001353949.2, NM_001353950.2, NM_001353951.2 and 2 more transcripts); c.2308A>G, p.Thr770Ala (NM_001353954.2, NM_001353955.2); c.2257A>G, p.Thr753Ala (NM_001353960.2); c.-115A>G (NM_001353961.2); short protein forms T753A, T754A, T770A, T771A, T782A.
Identifiers: ClinVar variation 1299760 (VCV001299760.2), dbSNP rs1574202324, ClinGen allele CA349064133.